The following is an entry in ClinVar:

ClinVar aggregate classification (germline): Benign/Likely benign. Review status: criteria provided, multiple submitters, no conflicts (2 of 4 stars). 6 submissions from 6 submitters: Benign (1); Likely benign (4). 1 of the submissions does not count toward it. Last evaluated 2025-11-27.

Conditions:
ATM-related disorder. Also called: ATM-related disorders; ATM-related condition.
Hereditary cancer-predisposing syndrome. Also called: Neoplastic Syndromes, Hereditary; Hereditary Cancer Syndrome; Tumor predisposition; Hereditary neoplastic syndrome. Identifiers: Orphanet 140162, MedGen C0027672, MeSH D009386, MONDO:0015356.
Ataxia-telangiectasia syndrome (AT). Also called: LOUIS-BAR SYNDROME; Cerebello-oculocutaneous telangiectasia; Immunodeficiency with ataxia telangiectasia; Ataxia-telangiectasia, complementation group D; AT, COMPLEMENTATION GROUP C; Ataxia-telangiectasia, complementation group E. Identifiers: Orphanet 100, MedGen C0004135, MONDO:0008840, OMIM 208900.
Familial cancer of breast. Also called: Hereditary breast cancer; BREAST CANCER, FAMILIAL; hereditary breast carcinoma. Identifiers: Orphanet 227535, MedGen C0346153, MONDO:0016419, OMIM 114480. Disease mechanism: loss of function.

Allele frequency attached by ClinVar (database versions not stated): gnomAD exomes 0.00001 and 0.00002; TOPMed 0.00002; gnomAD 0.00003; ExAC 0.00002.
gnomAD v4.1: 3 of 1,614,214 alleles (0.00019%); highest among the groups gnomAD compares: African/African-American, 0.004%; no homozygotes.

Submissions (6):

Labcorp Genetics (formerly Invitae), Labcorp
Classification: Likely benign for Ataxia-telangiectasia syndrome. Last evaluated: 2025-11-27. Review status: criteria provided, single submitter. Criteria: Invitae Variant Classification Sherloc (09022015). Collection method: clinical testing. Allele origin: germline.

Myriad Genetics, Inc.
Classification: Benign for Familial cancer of breast. Last evaluated: 2024-06-06. Review status: criteria provided, single submitter. Criteria: Myriad Autosomal Dominant, Autosomal Recessive and X-Linked Classification Criteria (2023). Collection method: clinical testing. Allele origin: unknown.
Comment: This variant is considered benign. This variant is a silent/synonymous amino acid change and it is not expected to impact splicing.

Women's Health and Genetics/Laboratory Corporation of America, LabCorp
Classification: Likely benign. Last evaluated: 2020-03-26. Review status: criteria provided, single submitter. Criteria: LabCorp Variant Classification Summary - May 2015. Collection method: clinical testing. Allele origin: germline.

Color Diagnostics, LLC DBA Color Health
Classification: Likely benign for Hereditary cancer-predisposing syndrome. Last evaluated: 2019-07-16. Review status: criteria provided, single submitter. Criteria: ACMG Guidelines, 2015. Collection method: clinical testing. Allele origin: germline.

Ambry Genetics
Classification: Likely benign for Hereditary cancer-predisposing syndrome. Last evaluated: 2017-02-28. Review status: criteria provided, single submitter. Criteria: Ambry Variant Classification Scheme 2023. Collection method: clinical testing. Allele origin: germline.

PreventionGenetics, part of Exact Sciences
Classification: Likely benign for ATM-related condition. Last evaluated: 2024-07-02. Review status: no assertion criteria provided. Collection method: clinical testing. Allele origin: germline. Not counted in ClinVar's aggregate classification.
Comment: This variant is classified as likely benign based on ACMG/AMP sequence variant interpretation guidelines (Richards et al. 2015 PMID: 25741868, with internal and published modifications).

NM_000051.4(ATM):c.6526T>C (p.Leu2176=)

Genes: ATM (ATM serine/threonine kinase; plus strand), C11orf65 (chromosome 11 open reading frame 65; minus strand). Cytogenetic location: 11q22.3.
Variant type: single nucleotide variant.
Coding change: c.6526T>C on transcript NM_000051.4 (MANE Select); coding-DNA position 6526, T replaced by C.
Protein change: p.Leu2176=; no amino-acid change (leucine 2176 retained).
Molecular consequence: synonymous variant. On other transcripts: intron variant (2).
Genome position (GRCh38, 1-based): chr11:108,321,374, T>C. VCF-style: chr11-108321374-T-C. GRCh37 (hg19) VCF-style: chr11-108192101-T-C.
Other names: c.6526T>C, p.Leu2176= (NM_001351834.2); c.641-12303A>G (NM_001330368.2); c.*39-12303A>G (NM_001351110.2).
Identifiers: ClinVar variation 479078 (VCV000479078.18), dbSNP rs143715818, ClinGen allele CA6265963.